The following is an entry in ClinVar:

NM_170784.3(MKKS):c.1176G>A (p.Thr392=)

Gene: MKKS (MKKS centrosomal shuttling protein; minus strand). Cytogenetic location: 20p12.2.
Variant type: single nucleotide variant.
Coding change: c.1176G>A on transcript NM_170784.3 (MANE Select); coding-DNA position 1176, G replaced by A.
Protein change: p.Thr392=; no amino-acid change (threonine 392 retained).
Molecular consequence: synonymous variant. On other transcripts: non-coding transcript variant (1).
Genome position (GRCh38, 1-based): chr20:10,407,712, C>T on the plus strand (G>A on the coding strand, the complement: MKKS is on the minus strand). VCF-style: chr20-10407712-C-T. GRCh37 (hg19) VCF-style: chr20-10388360-C-T.
Other names: c.1176G>A, p.Thr392= (NM_018848.3).
Identifiers: ClinVar variation 1089638 (VCV001089638.11), dbSNP rs1441106610, ClinGen allele CA509660252.
Genomic context (GRCh38, chr20:10,407,712, plus strand): 5'-ACAGCCACCTCCCAACAAAGCCCATGGTTCCTTGAGTGTTAACTGCAGGACATGCAGTGC[C>T]GTCTGACACGTGAGCTAAGAAAAAACCCAAATCATCAGAATCAGACGTTCACATCATATT-3'
Protein context (NP_740754.1, residues 382-402): AWDELKLTCQ[Thr392=]ALHVLQLTLK

ClinVar aggregate classification (germline): Likely benign. Review status: criteria provided, multiple submitters, no conflicts (2 of 4 stars). 3 submissions from 3 submitters: Likely benign (2). 1 of the submissions does not count toward it. Last evaluated 2025-10-19.

Conditions:
MKKS-related disorder. Also called: MKKS-related condition; MKKS-related disorders.
Bardet-Biedl syndrome (BBS). Identifiers: Orphanet 110, MedGen C0752166, MONDO:0015229.
McKusick-Kaufman syndrome (MKKS). Also called: HYDROMETROCOLPOS SYNDROME; HYDROMETROCOLPOS, POSTAXIAL POLYDACTYLY, AND CONGENITAL HEART MALFORMATION. Identifiers: Orphanet 2473, MedGen C0948368, MONDO:0009367, OMIM 236700.

Allele frequency attached by ClinVar (database versions not stated): gnomAD exomes below 0.00001 and 0.00001.
gnomAD v4.1: 11 of 1,613,420 alleles (0.00068%); highest among the groups gnomAD compares: South Asian, 0.0022%; no homozygotes.

Submissions (3):

Labcorp Genetics (formerly Invitae), Labcorp
Classification: Likely benign for McKusick-Kaufman syndrome; Bardet-Biedl syndrome. Last evaluated: 2025-10-19. Review status: criteria provided, single submitter. Criteria: Invitae Variant Classification Sherloc (09022015). Collection method: clinical testing. Allele origin: germline.

Blueprint Genetics
Classification: Likely benign. Last evaluated: 2023-10-18. Review status: criteria provided, single submitter. Criteria: ACMG Guidelines, 2015. Collection method: clinical testing. Allele origin: germline.

PreventionGenetics, part of Exact Sciences
Classification: Likely benign for MKKS-related condition. Last evaluated: 2023-11-09. Review status: no assertion criteria provided. Collection method: clinical testing. Allele origin: germline. Not counted in ClinVar's aggregate classification.
Comment: This variant is classified as likely benign based on ACMG/AMP sequence variant interpretation guidelines (Richards et al. 2015 PMID: 25741868, with internal and published modifications).